The following is an entry in ClinVar:

ClinVar aggregate classification (germline): Benign. Review status: criteria provided, multiple submitters, no conflicts (2 of 4 stars). 16 submissions from 15 submitters: Benign (13). 3 of the submissions do not count toward it. Last evaluated 2026-02-04.

Conditions:
Megacystis, microcolon, hypoperistalsis syndrome. Also called: Berdon syndrome; Megacystis-microcolon-intestinal hypoperistalsis syndrome. Identifiers: Orphanet 2241, MedGen C1608393, MONDO:0025986.
Familial thoracic aortic aneurysm and aortic dissection (TAAD). Also called: Thoracic aortic aneurysms and dissections. Identifiers: Orphanet 91387, MedGen C4707243, MONDO:0019625.
Aortic aneurysm, familial thoracic 7 (AAT7). Also called: AORTIC DISSECTION, FAMILIAL, WITH OR WITHOUT AORTIC ANEURYSM. Identifiers: MedGen C3151077, MONDO:0013418, OMIM 613780.

Allele frequency attached by ClinVar (database versions not stated): 1000 Genomes Project 0.33267; 1000 Genomes Project 30x 0.33276; TOPMed 0.50776; gnomAD 0.52821 and 0.53400; ESP Exome Variant Server 0.56336; ExAC 0.57832; gnomAD exomes 0.57881 and 0.70141.
gnomAD v4.1: 1,101,661 of 1,612,124 alleles (68%); highest among the groups gnomAD compares: Non-Finnish European, 77%; 405,471 homozygotes.

Submissions (16):

Labcorp Genetics (formerly Invitae), Labcorp
Classification: Benign for Aortic aneurysm, familial thoracic 7. Last evaluated: 2026-02-04. Review status: criteria provided, single submitter. Criteria: Invitae Variant Classification Sherloc (09022015). Collection method: clinical testing. Allele origin: germline.

Molecular Diagnostic Laboratory for Inherited Cardiovascular Disease, Montreal Heart Institute
Classification: Benign. Last evaluated: 2025-04-09. Review status: criteria provided, single submitter. Criteria: ACMG Guidelines, 2015. Collection method: clinical testing. Allele origin: germline. Affected: no.

Blueprint Genetics
Classification: Benign. Last evaluated: 2024-11-26. Review status: criteria provided, single submitter. Criteria: ACMG Guidelines, 2015. Collection method: clinical testing. Allele origin: germline.

Genome-Nilou Lab
Classification: Benign for Aortic aneurysm, familial thoracic 7. Last evaluated: 2021-09-05. Review status: criteria provided, single submitter. Criteria: ACMG Guidelines, 2015. Collection method: clinical testing. Allele origin: germline. Affected: no.

Genome-Nilou Lab
Classification: Benign for Megacystis-microcolon-intestinal hypoperistalsis syndrome 1. Last evaluated: 2021-09-05. Review status: criteria provided, single submitter. Criteria: ACMG Guidelines, 2015. Collection method: clinical testing. Allele origin: germline. Affected: no.

Illumina Laboratory Services, Illumina
Classification: Benign for Aortic aneurysm, familial thoracic 7. Last evaluated: 2018-01-12. Review status: criteria provided, single submitter. Criteria: ICSL Variant Classification Criteria 13 December 2019. Collection method: clinical testing. Allele origin: germline.
Comment: This variant was observed in the ICSL laboratory as part of a predisposition screen in an ostensibly healthy population. It had not been previously curated by ICSL or reported in the Human Gene Mutation Database (HGMD: prior to June 1st, 2018), and was therefore a candidate for classification through an automated scoring system. Utilizing variant allele frequency, disease prevalence and penetrance estimates, and inheritance mode, an automated score was calculated to assess if this variant is too frequent to cause the disease. Based on the score and internal cut-off values, a variant classified as benign is not then subjected to further curation. The score for this variant resulted in a classification of benign for this disease.

GeneDx
Classification: Benign. Last evaluated: 2016-09-22. Review status: criteria provided, single submitter. Criteria: GeneDx Variant Classification (06012015). Collection method: clinical testing. Allele origin: germline. Affected: yes.
Comment: This variant is considered likely benign or benign based on one or more of the following criteria: it is a conservative change, it occurs at a poorly conserved position in the protein, it is predicted to be benign by multiple in silico algorithms, and/or has population frequency not consistent with disease.

Women's Health and Genetics/Laboratory Corporation of America, LabCorp
Classification: Benign. Last evaluated: 2016-02-12. Review status: criteria provided, single submitter. Criteria: LabCorp Variant Classification Summary - May 2015. Collection method: clinical testing. Allele origin: germline.
Comment: Variant summary: This c.3558C>T variant affects a non-conserved nucleotide, resulting in synonymous amino acid change not very close to exon-intron boundary. 5/5 in silico programs via Alamut predict that this variant does not affect normal splicing. This variant was found in 70165/121320 control chromosomes from ExAC at a frequency of 0.5783465, which is more than 46266 times greater than the maximal expected frequency of a pathogenic allele (0.0000125) in this gene. This shows that this variant is a very common benign polymorphism. Taken together, this variant has been classified as Benign.

Ambry Genetics
Classification: Benign for Familial thoracic aortic aneurysm and aortic dissection. Last evaluated: 2014-12-30. Review status: criteria provided, single submitter. Criteria: Ambry Variant Classification Scheme 2023. Collection method: clinical testing. Allele origin: germline.

Mayo Clinic Laboratories, Mayo Clinic
Classification: Benign. Last evaluated: 2014-02-14. Review status: criteria provided, single submitter. Criteria: ACMG Guidelines, 2015. Collection method: clinical testing. Allele origin: germline. Observed: 1,321 variant alleles.

Laboratory for Molecular Medicine, Mass General Brigham Personalized Medicine
Classification: Benign. Last evaluated: 2013-04-04. Review status: criteria provided, single submitter. Criteria: LMM Criteria. Collection method: clinical testing. Allele origin: germline. Observed: 26 variant alleles.
Comment: Thr1186Thr in exon 19 of MYLK: This variant is not expected to have clinical sig nificance because it does not alter an amino acid residue and is not located wit hin the splice consensus sequence. It has been identified in 23.7% (2042/8600) o f European American chromosomes from a broad population by the NHLBI Exome Seque ncing Project (dbSNP rs40305).

Breakthrough Genomics
Classification: Benign. Review status: criteria provided, single submitter. Criteria: ACMG Guidelines, 2015. Collection method: not provided. Allele origin: germline. Inheritance: Autosomal recessive inheritance. Affected: yes.

PreventionGenetics, part of Exact Sciences
Classification: Benign. Review status: criteria provided, single submitter. Criteria: ACMG Guidelines, 2015. Collection method: clinical testing. Allele origin: germline.

Diagnostic Laboratory, Department of Genetics, University Medical Center Groningen
Classification: Benign for Aortic aneurysm, familial thoracic 7. Review status: no assertion criteria provided. Collection method: clinical testing. Allele origin: germline. Affected: yes. Study: VKGL Data-share Consensus. Not counted in ClinVar's aggregate classification.

Genome Diagnostics Laboratory, Amsterdam University Medical Center
Classification: Benign. Review status: no assertion criteria provided. Collection method: clinical testing. Allele origin: germline. Affected: yes. Study: VKGL Data-share Consensus. Not counted in ClinVar's aggregate classification.

Joint Genome Diagnostic Labs from Nijmegen and Maastricht, Radboudumc and MUMC+
Classification: Benign. Review status: no assertion criteria provided. Collection method: clinical testing. Allele origin: germline. Affected: yes. Study: VKGL Data-share Consensus. Not counted in ClinVar's aggregate classification.

NM_053025.4(MYLK):c.3558C>T (p.Thr1186=)

Gene: MYLK (myosin light chain kinase; minus strand). Cytogenetic location: 3q21.1.
Variant type: single nucleotide variant.
Coding change: c.3558C>T on transcript NM_053025.4 (MANE Select); coding-DNA position 3558, C replaced by T.
Protein change: p.Thr1186=; no amino-acid change (threonine 1186 retained).
Molecular consequence: synonymous variant.
Genome position (GRCh38, 1-based): chr3:123,692,742, G>A on the plus strand (C>T on the coding strand, the complement: MYLK is on the minus strand). VCF-style: chr3-123692742-G-A. GRCh37 (hg19) VCF-style: chr3-123411589-G-A.
Other names: p.Thr1186=; c.3030C>T, p.Thr1010= (NM_001321309.2); c.3351C>T, p.Thr1117= (NM_053026.4, NM_053028.4); c.3558C>T, p.Thr1186= (NM_053027.4).
Identifiers: ClinVar variation 226764 (VCV000226764.32), dbSNP rs40305, ClinGen allele CA069772.